The following is an entry in ClinVar:

ClinVar aggregate classification (germline): Uncertain significance (1 of 4 stars; one submission).

Submission:

Labcorp Genetics (formerly Invitae), Labcorp
Classification: Uncertain significance. Last evaluated: 2022-07-19. Review status: criteria provided, single submitter. Criteria: Invitae Variant Classification Sherloc (09022015). Collection method: clinical testing. Allele origin: germline.
Comment: This sequence change replaces tyrosine, which is neutral and polar, with phenylalanine, which is neutral and non-polar, at codon 299 of the ADGRV1 protein (p.Tyr299Phe). In summary, the available evidence is currently insufficient to determine the role of this variant in disease. Therefore, it has been classified as a Variant of Uncertain Significance. Algorithms developed to predict the effect of missense changes on protein structure and function (SIFT, PolyPhen-2, Align-GVGD) all suggest that this variant is likely to be tolerated. This variant has not been reported in the literature in individuals affected with ADGRV1-related conditions. This variant is not present in population databases (gnomAD no frequency).

NM_032119.4(ADGRV1):c.896A>T (p.Tyr299Phe)

Gene: ADGRV1 (adhesion G protein-coupled receptor V1; plus strand). Cytogenetic location: 5q14.3.
Variant type: single nucleotide variant.
Coding change: c.896A>T on transcript NM_032119.4 (MANE Select); coding-DNA position 896, A replaced by T.
Protein change: p.Tyr299Phe; replaces tyrosine 299 with phenylalanine.
Molecular consequence: missense variant. On other transcripts: non-coding transcript variant (1).
Genome position (GRCh38, 1-based): chr5:90,627,434, A>T. VCF-style: chr5-90627434-A-T. GRCh37 (hg19) VCF-style: chr5-89923251-A-T.
Other names: short protein forms Y299F.
Identifiers: ClinVar variation 1718745 (VCV001718745.5), dbSNP rs767553206, ClinGen allele CA360366666.